The following is an entry in ClinVar:

ClinVar aggregate classification (germline): Uncertain significance (1 of 4 stars; one submission).

Conditions:
Deficiency of aromatic-L-amino-acid decarboxylase. Also called: AADC DEFICIENCY; DDC DEFICIENCY; DOPA DECARBOXYLASE DEFICIENCY; Aromatic amino acid decarboxylase deficiency; Aromatic L-Amino Acid Decarboxylase Deficiency. Identifiers: Orphanet 35708, MedGen C1291564, MONDO:0012084, OMIM 608643.

Allele frequency attached by ClinVar (database versions not stated): gnomAD exomes 0.00001; ESP Exome Variant Server 0.00008.
gnomAD v4.1: 14 of 1,613,484 alleles (0.00087%); highest among the groups gnomAD compares: Non-Finnish European, 0.0012%; no homozygotes.

Submission:

Labcorp Genetics (formerly Invitae), Labcorp
Classification: Uncertain significance for Deficiency of aromatic-L-amino-acid decarboxylase. Last evaluated: 2021-08-17. Review status: criteria provided, single submitter. Criteria: Invitae Variant Classification Sherloc (09022015). Collection method: clinical testing. Allele origin: germline.
Comment: This sequence change replaces histidine with arginine at codon 337 of the DDC protein (p.His337Arg). The histidine residue is highly conserved and there is a small physicochemical difference between histidine and arginine. This variant is not present in population databases (ExAC no frequency). This variant has not been reported in the literature in individuals affected with DDC-related conditions. Algorithms developed to predict the effect of missense changes on protein structure and function (SIFT, PolyPhen-2, Align-GVGD) all suggest that this variant is likely to be tolerated. In summary, the available evidence is currently insufficient to determine the role of this variant in disease. Therefore, it has been classified as a Variant of Uncertain Significance.

NM_001082971.2(DDC):c.1010A>G (p.His337Arg)

Gene: DDC (dopa decarboxylase; minus strand). Cytogenetic location: 7p12.2.
Variant type: single nucleotide variant.
Coding change: c.1010A>G on transcript NM_001082971.2 (MANE Select); coding-DNA position 1010, A replaced by G.
Protein change: p.His337Arg; replaces histidine 337 with arginine.
Molecular consequence: missense variant.
Genome position (GRCh38, 1-based): chr7:50,479,798, T>C on the plus strand (A>G on the coding strand, the complement: DDC is on the minus strand). VCF-style: chr7-50479798-T-C. GRCh37 (hg19) VCF-style: chr7-50547496-T-C.
Other names: c.1010A>G, p.His337Arg (NM_000790.4); c.896A>G, p.His299Arg (NM_001242886.2); c.866A>G, p.His289Arg (NM_001242887.2); c.776A>G, p.His259Arg (NM_001242888.2); c.731A>G, p.His244Arg (NM_001242889.2); short protein forms H337R, H244R, H259R, H289R, H299R.
Identifiers: ClinVar variation 1433616 (VCV001433616.6), dbSNP rs373966178, ClinGen allele CA158226414.